The following is an entry in ClinVar:

NM_003172.4(SURF1):c.775A>G (p.Ile259Val)

Gene: SURF1 (SURF1 cytochrome c oxidase assembly factor; minus strand). Cytogenetic location: 9q34.2.
Variant type: single nucleotide variant.
Coding change: c.775A>G on transcript NM_003172.4 (MANE Select); coding-DNA position 775, A replaced by G.
Protein change: p.Ile259Val; replaces isoleucine 259 with valine.
Molecular consequence: missense variant.
Genome position (GRCh38, 1-based): chr9:133,352,119, T>C on the plus strand (A>G on the coding strand, the complement: SURF1 is on the minus strand). VCF-style: chr9-133352119-T-C. GRCh37 (hg19) VCF-style: chr9-136218974-T-C.
Other names: c.448A>G, p.Ile150Val (NM_001280787.1); c.775A>G (NM_003172.2); short protein forms I259V, I150V.
Identifiers: ClinVar variation 2181218 (VCV002181218.5), dbSNP rs1245524857, ClinGen allele CA375693540.
Genomic context (GRCh38, chr9:133,352,119, plus strand): 5'-ACCAGGTCACGATGTACTGCAGATGCTCGTTCCTCAGAGTAACTCTGGTTTGCCCTCCAA[T>C]GGGTCCTCCAGGGACTGTGCTCTCTGTGGAGACAGCAGACTCAAGTCCACCCCCTACTGG-3'
Protein context (NP_003163.1, residues 249-269): NFQSTVPGGP[Ile259Val]GGQTRVTLRN

ClinVar aggregate classification (germline): Uncertain significance. Review status: criteria provided, multiple submitters, no conflicts (2 of 4 stars). 2 submissions from 2 submitters: Uncertain significance (2). Last evaluated 2025-09-15.

Conditions:
Inborn genetic diseases. Identifiers: MedGen C0950123, MeSH D030342.
Leigh syndrome (NULS). Also called: Subacute necrotizing encephalopathy; Necrotizing encephalopathy infantile subacute of Leigh; LEIGH SYNDROME, NUCLEAR; Leigh Disease; Leigh Syndrome (mtDNA deletion); Leigh's necrotizing encephalopathy. Identifiers: Orphanet 506, MedGen C2931891, MONDO:0009723, OMIM 256000.

Allele frequency attached by ClinVar (database versions not stated): gnomAD 0.00001; TOPMed 0.00001.
gnomAD v4.1: 4 of 1,606,356 alleles (0.00025%); highest among the groups gnomAD compares: Admixed American, 0.0051%; no homozygotes.

Submissions (2):

Labcorp Genetics (formerly Invitae), Labcorp
Classification: Uncertain significance for Leigh syndrome. Last evaluated: 2025-09-15. Review status: criteria provided, single submitter. Criteria: Invitae Variant Classification Sherloc (09022015). Collection method: clinical testing. Allele origin: germline.
Comment: This sequence change replaces isoleucine, which is neutral and non-polar, with valine, which is neutral and non-polar, at codon 259 of the SURF1 protein (p.Ile259Val). This variant is present in population databases (no rsID available, gnomAD 0.01%). This variant has not been reported in the literature in individuals affected with SURF1-related conditions. ClinVar contains an entry for this variant (Variation ID: 2181218). Invitae Evidence Modeling of protein sequence and biophysical properties (such as structural, functional, and spatial information, amino acid conservation, physicochemical variation, residue mobility, and thermodynamic stability) indicates that this missense variant is not expected to disrupt SURF1 protein function with a negative predictive value of 95%. In summary, the available evidence is currently insufficient to determine the role of this variant in disease. Therefore, it has been classified as a Variant of Uncertain Significance.

Ambry Genetics
Classification: Uncertain significance for Inborn genetic diseases. Last evaluated: 2024-09-26. Review status: criteria provided, single submitter. Criteria: Ambry Variant Classification Scheme 2023. Collection method: clinical testing. Allele origin: germline.